The following is an entry in ClinVar:

NM_199355.4(ADAMTS18):c.1727A>G (p.Gln576Arg)

Gene: ADAMTS18 (ADAM metallopeptidase with thrombospondin type 1 motif 18; minus strand). Cytogenetic location: 16q23.1.
Variant type: single nucleotide variant.
Coding change: c.1727A>G on transcript NM_199355.4 (MANE Select); coding-DNA position 1727, A replaced by G.
Protein change: p.Gln576Arg; replaces glutamine 576 with arginine.
Molecular consequence: missense variant.
Genome position (GRCh38, 1-based): chr16:77,335,888, T>C on the plus strand (A>G on the coding strand, the complement: ADAMTS18 is on the minus strand). VCF-style: chr16-77335888-T-C. GRCh37 (hg19) VCF-style: chr16-77369785-T-C.
Other names: c.1211A>G, p.Gln404Arg (NM_001326358.2); short protein forms Q404R, Q576R.
Identifiers: ClinVar variation 1061337 (VCV001061337.9), dbSNP rs2144675412, ClinGen allele CA396832427.

ClinVar aggregate classification (germline): Uncertain significance (1 of 4 stars; one submission).

Submission:

Labcorp Genetics (formerly Invitae), Labcorp
Classification: Uncertain significance. Last evaluated: 2022-08-16. Review status: criteria provided, single submitter. Criteria: Invitae Variant Classification Sherloc (09022015). Collection method: clinical testing. Allele origin: germline.
Comment: This sequence change replaces glutamine, which is neutral and polar, with arginine, which is basic and polar, at codon 576 of the ADAMTS18 protein (p.Gln576Arg). This variant is not present in population databases (gnomAD no frequency). This variant has not been reported in the literature in individuals affected with ADAMTS18-related conditions. ClinVar contains an entry for this variant (Variation ID: 1061337). Algorithms developed to predict the effect of missense changes on protein structure and function are either unavailable or do not agree on the potential impact of this missense change (SIFT: "Not Available"; PolyPhen-2: "Benign"; Align-GVGD: "Not Available"). In summary, the available evidence is currently insufficient to determine the role of this variant in disease. Therefore, it has been classified as a Variant of Uncertain Significance.